The following is an entry in ClinVar:

ClinVar aggregate classification (germline): Likely benign. Review status: criteria provided, multiple submitters, no conflicts (2 of 4 stars). 3 submissions from 3 submitters: Likely benign (3). Last evaluated 2025-12-29.

Conditions:
CR2-related disorder. Also called: CR2-related condition; CR2-related disorders.
Immunodeficiency, common variable, 7. Identifiers: Orphanet 1572, Orphanet 696894, MedGen C3542922, MONDO:0013862, OMIM 614699.

Allele frequency attached by ClinVar (database versions not stated): TOPMed 0.00034; ESP Exome Variant Server 0.00054; gnomAD 0.00058 and 0.00061; gnomAD exomes 0.00070; ExAC 0.00075.
gnomAD v4.1: 1,096 of 1,612,764 alleles (0.068%); highest among the groups gnomAD compares: Non-Finnish European, 0.071%; no homozygotes.

Submissions (4):

Labcorp Genetics (formerly Invitae), Labcorp
Classification: Likely benign for Immunodeficiency, common variable, 7. Last evaluated: 2025-12-29. Review status: criteria provided, single submitter. Criteria: Invitae Variant Classification Sherloc (09022015). Collection method: clinical testing. Allele origin: germline.

PreventionGenetics, part of Exact Sciences
Classification: Likely benign for CR2-related condition. Last evaluated: 2024-10-28. Review status: criteria provided, single submitter. Criteria: ACMG Guidelines, 2015. Collection method: clinical testing. Allele origin: germline.
Comment: This variant is classified as likely benign based on ACMG/AMP sequence variant interpretation guidelines (Richards et al. 2015 PMID: 25741868, with internal and published modifications).

Blueprint Genetics
Classification: Likely benign. Last evaluated: 2024-10-01. Review status: criteria provided, single submitter. Criteria: ACMG Guidelines, 2015. Collection method: clinical testing. Allele origin: germline.

Dr. Peter K. Rogan Lab, Western University
No classification provided (evidence only). Condition: Uterine carcinosarcoma. Review status: no classification provided. Collection method: in vitro. Allele origin: not applicable. Functional consequence: retained intron. Not counted in ClinVar's aggregate classification.

NM_001006658.3(CR2):c.2654G>A (p.Arg885His)

Gene: CR2 (complement C3d receptor 2; plus strand). Cytogenetic location: 1q32.2.
Variant type: single nucleotide variant.
Coding change: c.2654G>A on transcript NM_001006658.3 (MANE Select); coding-DNA position 2654, G replaced by A.
Protein change: p.Arg885His; replaces arginine 885 with histidine.
Molecular consequence: missense variant.
Genome position (GRCh38, 1-based): chr1:207,475,154, G>A. VCF-style: chr1-207475154-G-A. GRCh37 (hg19) VCF-style: chr1-207648499-G-A.
Other names: c.2477G>A, p.Arg826His (NM_001877.5); short protein forms R885H, R826H.
Identifiers: ClinVar variation 540318 (VCV000540318.14), dbSNP rs140808707, ClinGen allele CA1369021.
Genomic context (GRCh38, chr1:207,475,154, plus strand): 5'-ATTCCCACAATGACATAGTGTATGTTGACTGCAATCCTGGCTTCATCATGAATGGTAGTC[G>A]CGTGATTAGGTGTCATACTGATAACACATGGGTGCCAGGTGTGCCAACTTGTATCAAAAA-3'
Protein context (NP_001006659.1, residues 875-895): CNPGFIMNGS[Arg885His]VIRCHTDNTW